The following is an entry in ClinVar:

NM_001134793.2(HYLS1):c.31del (p.Trp11fs)

Genes: HYLS1 (HYLS1 centriolar and ciliogenesis associated; plus strand), PUS3 (pseudouridine synthase 3; minus strand). Cytogenetic location: 11q24.2.
Variant type: Deletion.
Coding change: c.31del on transcript NM_001134793.2 (MANE Select); coding-DNA position 31, one base deleted (T; older notation c.31delT).
Protein change: p.Trp11fs; shifts the reading frame from tryptophan 11.
Molecular consequence: frameshift variant. On other transcripts: intron variant (7).
Genome position (GRCh38, 1-based): chr11:125,899,399, T deleted. VCF-style (leftmost placement, unchanged base first): chr11-125899398-AT-A. GRCh37 (hg19) VCF-style: chr11-125769293-AT-A.
Other names: c.31del, p.Trp11fs (NM_001377269.1, NM_001377270.1, NM_001424364.1 and 1 more transcripts); c.-246-3610del (NM_001271985.2); c.-46-3069del (NM_001441241.1, NM_001441239.1, NM_031307.4); c.-247+1280del (NM_001441238.1); c.-47+1280del (NM_001441240.1, NM_001441237.1); short protein forms W11fs.
Identifiers: ClinVar variation 4816854 (VCV004816854.1).

ClinVar aggregate classification (germline): Likely pathogenic (1 of 4 stars; one submission).

Conditions:
Hydrolethalus syndrome. Identifiers: Orphanet 2189, MedGen C2931104, MONDO:0006037.

Submission:

Natera, Inc.
Classification: Likely pathogenic for Hydrolethalus syndrome. Last evaluated: 2024-04-12. Review status: criteria provided, single submitter. Criteria: Natera Variant Classification Schema (03/2026). Collection method: clinical testing. Allele origin: germline.
Comment: The c.31delT variant in HYLS1 is a frameshift variant predicted to shift the reading frame beginning at codon 11 and leads to a stop codon 46 codons downstream. This variant is expected to result in nonsense mediated decay, truncation, or a dysfunctional protein product. This variant is rare in the general population with a frequency below the threshold expected for the associated phenotype(s). Given the available evidence, this variant is classified as Likely Pathogenic.